The following is an entry in ClinVar:

ClinVar aggregate classification (germline): Conflicting classifications of pathogenicity. Review status: criteria provided, conflicting classifications (1 of 4 stars). 3 submissions from 3 submitters: Pathogenic (2); Uncertain significance (1). Last evaluated 2025-03-12.

Conditions:
Charcot-Marie-Tooth disease, type I (CMT1). Also called: Charcot-Marie-Tooth disease type 1; Charcot-Marie-Tooth, Type 1. Identifiers: Orphanet 65753, MedGen C0751036, MONDO:0019011.

Submissions (3):

GeneDx
Classification: Pathogenic. Last evaluated: 2025-03-12. Review status: criteria provided, single submitter. Criteria: GeneDx Variant Classification Process June 2021. Collection method: clinical testing. Allele origin: germline. Affected: yes.
Comment: In silico analysis supports that this missense variant has a deleterious effect on protein structure/function; Missense variants in this gene are a common cause of disease and they are underrepresented in the general population; Not observed at significant frequency in large population cohorts (gnomAD); This variant is associated with the following publications: (PMID: 27164712, 26310628, 20461396, 33386210, 33825325)

Labcorp Genetics (formerly Invitae), Labcorp
Classification: Pathogenic for Charcot-Marie-Tooth disease, type I. Last evaluated: 2022-09-22. Review status: criteria provided, single submitter. Criteria: Invitae Variant Classification Sherloc (09022015). Collection method: clinical testing. Allele origin: germline.
Comment: This missense change has been observed in individuals with Charcot-Marie-Tooth disease (PMID: 27164712; Invitae). This variant is not present in population databases (gnomAD no frequency). This sequence change replaces arginine, which is basic and polar, with leucine, which is neutral and non-polar, at codon 98 of the MPZ protein (p.Arg98Leu). ClinVar contains an entry for this variant (Variation ID: 586152). For these reasons, this variant has been classified as Pathogenic. This variant disrupts the p.Arg98 amino acid residue in MPZ. Other variant(s) that disrupt this residue have been determined to be pathogenic (PMID: 8644725; Invitae). This suggests that this residue is clinically significant, and that variants that disrupt this residue are likely to be disease-causing. Advanced modeling of protein sequence and biophysical properties (such as structural, functional, and spatial information, amino acid conservation, physicochemical variation, residue mobility, and thermodynamic stability) performed at Invitae indicates that this missense variant is expected to disrupt MPZ protein function.

Athena Diagnostics
Classification: Uncertain significance. Last evaluated: 2018-08-15. Review status: criteria provided, single submitter. Criteria: Athena Diagnostics Criteria. Collection method: clinical testing. Allele origin: germline.

Literature cited by the submitters: PubMed 27164712 (cited by Labcorp Genetics (formerly Invitae), Labcorp and Athena Diagnostics); PubMed 8644725 (cited by Labcorp Genetics (formerly Invitae), Labcorp).

NM_000530.8(MPZ):c.293G>T (p.Arg98Leu)

Gene: MPZ (myelin protein zero; minus strand). Cytogenetic location: 1q23.3.
Variant type: single nucleotide variant.
Coding change: c.293G>T on transcript NM_000530.8 (MANE Select); coding-DNA position 293, G replaced by T.
Protein change: p.Arg98Leu; replaces arginine 98 with leucine.
Molecular consequence: missense variant.
Genome position (GRCh38, 1-based): chr1:161,306,863, C>A on the plus strand (G>T on the coding strand, the complement: MPZ is on the minus strand). VCF-style: chr1-161306863-C-A. GRCh37 (hg19) VCF-style: chr1-161276653-C-A.
Other names: c.293G>T (LRG_256t1); c.293G>T, p.Arg98Leu (NM_001315491.2); short protein forms R98L.
Identifiers: ClinVar variation 586152 (VCV000586152.8), dbSNP rs121913589, ClinGen allele CA343349605.